The following is an entry in ClinVar:

ClinVar aggregate classification (germline): Uncertain significance (1 of 4 stars; one submission).

Conditions:
Arginase deficiency. Also called: Arginase 1 Deficiency; ARGININEMIA; ARG1 DEFICIENCY. Identifiers: Orphanet 90, MedGen C0268548, MONDO:0008814, OMIM 207800.

Allele frequency attached by ClinVar (database versions not stated): gnomAD 0.00001.
gnomAD v4.1: 2 of 1,613,790 alleles (0.00012%); highest among the groups gnomAD compares: African/African-American, 0.0013%; no homozygotes.

Submission:

Labcorp Genetics (formerly Invitae), Labcorp
Classification: Uncertain significance for Arginase deficiency. Last evaluated: 2022-03-11. Review status: criteria provided, single submitter. Criteria: Invitae Variant Classification Sherloc (09022015). Collection method: clinical testing. Allele origin: germline.
Comment: This sequence change replaces glycine, which is neutral and non-polar, with tryptophan, which is neutral and slightly polar, at codon 23 of the ARG1 protein (p.Gly23Trp). This variant is not present in population databases (gnomAD no frequency). This variant has not been reported in the literature in individuals affected with ARG1-related conditions. Algorithms developed to predict the effect of missense changes on protein structure and function are either unavailable or do not agree on the potential impact of this missense change (SIFT: "Deleterious"; PolyPhen-2: "Probably Damaging"; Align-GVGD: "Class C15"). In summary, the available evidence is currently insufficient to determine the role of this variant in disease. Therefore, it has been classified as a Variant of Uncertain Significance.

NM_000045.4(ARG1):c.67G>T (p.Gly23Trp)

Genes: ARG1 (arginase 1; plus strand), MED23 (mediator complex subunit 23; minus strand). Cytogenetic location: 6q23.2.
Variant type: single nucleotide variant.
Coding change: c.67G>T on transcript NM_000045.4 (MANE Select); coding-DNA position 67, G replaced by T.
Protein change: p.Gly23Trp; replaces glycine 23 with tryptophan.
Molecular consequence: missense variant. On other transcripts: intron variant (2).
Genome position (GRCh38, 1-based): chr6:131,576,672, G>T. VCF-style: chr6-131576672-G-T. GRCh37 (hg19) VCF-style: chr6-131897812-G-T.
Other names: c.67G>T, p.Gly23Trp (NM_001244438.2, NM_001369020.1); c.4078-2377C>A (NM_001270521.2); c.4096-2377C>A (NM_015979.4); short protein forms G23W.
Identifiers: ClinVar variation 2151232 (VCV002151232.1), dbSNP rs1773627584, ClinGen allele CA365649678.